The following is an entry in ClinVar:

NM_000545.8(HNF1A):c.653A>G (p.Tyr218Cys)

Gene: HNF1A (HNF1 homeobox A; plus strand). Cytogenetic location: 12q24.31.
Variant type: single nucleotide variant.
Coding change: c.653A>G on transcript NM_000545.8 (MANE Select); coding-DNA position 653, A replaced by G.
Protein change: p.Tyr218Cys; replaces tyrosine 218 with cysteine.
Molecular consequence: missense variant.
Genome position (GRCh38, 1-based): chr12:120,993,646, A>G. VCF-style: chr12-120993646-A-G. GRCh37 (hg19) VCF-style: chr12-121431449-A-G.
Other names: NM_001306179.2:c.653A>G; c.653A>G, p.Tyr218Cys (NM_001306179.2, NM_001406915.1); short protein forms Y218C.
Identifiers: ClinVar variation 2691841 (VCV002691841.1), dbSNP rs2499995569, ClinGen allele CA386964799.

ClinVar aggregate classification (germline): Pathogenic (3 of 4 stars; one submission).

Conditions:
Monogenic diabetes. Identifiers: Orphanet 183625, MedGen C3888631, MONDO:0015967.

Submission:

ClinGen Monogenic Diabetes Variant Curation Expert Panel
Classification: Pathogenic for Monogenic diabetes. Last evaluated: 2024-01-22. Review status: reviewed by expert panel. Criteria: ClinGen Diabetes ACMG Specifications HNF1A V2.1.0. Collection method: curation. Allele origin: germline. Inheritance: Autosomal dominant inheritance.
Comment: The c.653A>G variant in the HNF1 homeobox A gene, HNF1A, causes an amino acid change of tyrosine to cysteine at codon 218 (p.Tyr218Cys)) of NM_000545.8. This variant is located within a conserved region of the DNA binding domain (codons 107-174 and 201-280) of HNF1A, which is defined as critical for the protein’s function by the ClinGen MDEP (PM1_Supporting). This variant is predicted to be deleterious by computational evidence, with a REVEL score of 0.957, which is greater than the MDEP VCEP threshold of 0.70 (PP3). This variant is absent in gnomAD v2.1.1 (PM2_Supporting), and was identified in seven unrelated individuals with non- autoimmune and non-absolute/near-absolute insulin-deficient diabetes (PS4; PMID: 10872540, PMID: 17286239, internal lab contributors). At least one individual had a clinical history highly specific for HNF1A-MODY (MODY probability calculator result >50%, negative genetic testing for HNF4A, negative antibodies, and sensitive to sulfonylureas) (PP4_Moderate; internal lab contributors). This variant segregated with diabetes, with at least 4 informative meioses in 4 families with MODY (PP1_Strong; PMID: 17286239, internal lab contributors). In summary, c.653A>G meets the criteria to be classified as pathogenic for monogenic diabetes. ACMG/AMP criteria applied as specified by the ClinGen MDEP (specification version 2.1.0, approved 8/11/2023): PP1_Strong, PS4, PP4_Moderate, PP3, PM1_Supporting, PM2_Supporting.